The following is an entry in ClinVar:

ClinVar aggregate classification (germline): Likely benign. Review status: criteria provided, multiple submitters, no conflicts (2 of 4 stars). 3 submissions from 3 submitters: Likely benign (2). 1 of the submissions does not count toward it. Last evaluated 2025-12-22.

Conditions:
AMT-related disorder. Also called: AMT-related condition.
Glycine encephalopathy. Also called: Non-ketotic hyperglycinemia; Nonketotic hyperglycinemia. Identifiers: Orphanet 407, MedGen C0751748, MONDO:0011612, HP:0008288.

Allele frequency attached by ClinVar (database versions not stated): ExAC 0.00007; TOPMed 0.00008.
gnomAD v4.1: 169 of 1,613,904 alleles (0.01%); highest among the groups gnomAD compares: Non-Finnish European, 0.012%; no homozygotes.

Submissions (3):

Labcorp Genetics (formerly Invitae), Labcorp
Classification: Likely benign for Glycine encephalopathy. Last evaluated: 2025-12-22. Review status: criteria provided, single submitter. Criteria: Invitae Variant Classification Sherloc (09022015). Collection method: clinical testing. Allele origin: germline.

CeGaT Center for Human Genetics Tuebingen
Classification: Likely benign. Last evaluated: 2024-12-01. Review status: criteria provided, single submitter. Criteria: CeGaT Center For Human Genetics Tuebingen Variant Classification Criteria Version 2. Collection method: clinical testing. Allele origin: germline. Affected: yes. Observed: 1 variant allele.
Comment: AMT: BP4, BP7

PreventionGenetics, part of Exact Sciences
Classification: Likely benign for AMT-related condition. Last evaluated: 2019-08-22. Review status: no assertion criteria provided. Collection method: clinical testing. Allele origin: germline. Not counted in ClinVar's aggregate classification.
Comment: This variant is classified as likely benign based on ACMG/AMP sequence variant interpretation guidelines (Richards et al. 2015 PMID: 25741868, with internal and published modifications).

NM_000481.4(AMT):c.714G>A (p.Ala238=)

Gene: AMT (aminomethyltransferase; minus strand). Cytogenetic location: 3p21.31.
Variant type: single nucleotide variant.
Coding change: c.714G>A on transcript NM_000481.4 (MANE Select); coding-DNA position 714, G replaced by A.
Protein change: p.Ala238=; no amino-acid change (alanine 238 retained).
Molecular consequence: synonymous variant. On other transcripts: non-coding transcript variant (1).
Genome position (GRCh38, 1-based): chr3:49,419,134, C>T on the plus strand (G>A on the coding strand, the complement: AMT is on the minus strand). VCF-style: chr3-49419134-C-T. GRCh37 (hg19) VCF-style: chr3-49456567-C-T.
Other names: c.582G>A, p.Ala194= (NM_001164710.2); c.546G>A, p.Ala182= (NM_001164711.2); c.714G>A, p.Ala238= (NM_001164712.2); c.714G>A (NM_000481.3).
Identifiers: ClinVar variation 1161019 (VCV001161019.22), dbSNP rs772179698, ClinGen allele CA2398245.
Genomic context (GRCh38, chr3:49,419,134, plus strand): 5'-CAGCCCTGCCAGCTTCACCTCTGGGTTTTTCAGAATAGCTGTTGCCAGGTGAACTGCCCC[C>T]GCTACCGGCACCGAGATCTGTATGAAACACCAGAGGGCAGATGGGAAGCTCCCTGTACCA-3'
Protein context (NP_000472.2, residues 228-248): EDGVEISVPV[Ala238=]GAVHLATAIL